The following is an entry in ClinVar:

NM_001080432.3(FTO):c.88T>C (p.Tyr30His)

Gene: FTO (FTO alpha-ketoglutarate dependent dioxygenase; plus strand). Cytogenetic location: 16q12.2.
Variant type: single nucleotide variant.
Coding change: c.88T>C on transcript NM_001080432.3 (MANE Select); coding-DNA position 88, T replaced by C.
Protein change: p.Tyr30His; replaces tyrosine 30 with histidine.
Molecular consequence: missense variant. On other transcripts: 5 prime UTR variant (1), non-coding transcript variant (1), intron variant (1).
Genome position (GRCh38, 1-based): chr16:53,810,182, T>C. VCF-style: chr16-53810182-T-C. GRCh37 (hg19) VCF-style: chr16-53844094-T-C.
Other names: c.88T>C, p.Tyr30His (NM_001363891.2, NM_001363894.2, NM_001363896.2 and 9 more transcripts); c.-605T>C (NM_001363905.2); c.46-15682T>C (NM_001363897.2); short protein forms Y30H.
Identifiers: ClinVar variation 1982821 (VCV001982821.2), dbSNP rs1275818602, ClinGen allele CA396120822.
Genomic context (GRCh38, chr16:53,810,182, plus strand): 5'-ATTATTATTTTCAAACAGAAACTGAGGCTTCTTGAAGAGCTTGAAGACACTTGGCTCCCT[T>C]ATCTGACCCCCAAAGATGATGAATTCTATCAGCAGGTAAGGTATTTTAATATTTTTATCA-3'
Protein context (NP_001073901.1, residues 20-40): LEELEDTWLP[Tyr30His]LTPKDDEFYQ

ClinVar aggregate classification (germline): Uncertain significance. Review status: criteria provided, multiple submitters, no conflicts (2 of 4 stars). 2 submissions from 2 submitters: Uncertain significance (2). Last evaluated 2024-12-04.

Conditions:
Inborn genetic diseases. Identifiers: MedGen C0950123, MeSH D030342.

Allele frequency attached by ClinVar (database versions not stated): gnomAD 0.00001; TOPMed 0.00001; gnomAD exomes 0.00002.
gnomAD v4.1: 32 of 1,611,330 alleles (0.002%); highest among the groups gnomAD compares: Non-Finnish European, 0.0024%; no homozygotes.

Submissions (2):

Ambry Genetics
Classification: Uncertain significance for Inborn genetic diseases. Last evaluated: 2024-12-04. Review status: criteria provided, single submitter. Criteria: Ambry Variant Classification Scheme 2023. Collection method: clinical testing. Allele origin: germline.

Labcorp Genetics (formerly Invitae), Labcorp
Classification: Uncertain significance. Last evaluated: 2022-05-12. Review status: criteria provided, single submitter. Criteria: Invitae Variant Classification Sherloc (09022015). Collection method: clinical testing. Allele origin: germline.
Comment: This sequence change replaces tyrosine, which is neutral and polar, with histidine, which is basic and polar, at codon 30 of the FTO protein (p.Tyr30His). This variant is present in population databases (no rsID available, gnomAD 0.0009%). This variant has not been reported in the literature in individuals affected with FTO-related conditions. Algorithms developed to predict the effect of missense changes on protein structure and function are either unavailable or do not agree on the potential impact of this missense change (SIFT: "Deleterious"; PolyPhen-2: "Probably Damaging"; Align-GVGD: "Class C0"). In summary, the available evidence is currently insufficient to determine the role of this variant in disease. Therefore, it has been classified as a Variant of Uncertain Significance.